The following is an entry in ClinVar:

ClinVar aggregate classification (germline): Uncertain significance (1 of 4 stars; one submission).

Conditions:
Neuropathy, hereditary sensory and autonomic, type 2A (HSAN2A). Also called: WNK1-Related HSAN2 (HSAN2A); ACROOSTEOLYSIS, GIACCAI TYPE; ACROOSTEOLYSIS, NEUROGENIC; HSAN IIA; MORVAN DISEASE; NEUROPATHY, CONGENITAL SENSORY. Identifiers: Orphanet 970, MedGen C2752089, MONDO:0024309, OMIM 201300.
Generalized epilepsy with febrile seizures plus, type 7 (GEFSP7). Also called: GEFS+, TYPE 7. Identifiers: Orphanet 36387, MedGen C2751778, MONDO:0013470, OMIM 613863.

Allele frequency attached by ClinVar (database versions not stated): gnomAD 0.00001.
gnomAD v4.1: 1 of 1,613,974 alleles (0.000062%); highest among the groups gnomAD compares: African/African-American, 0.0013%; no homozygotes.

Submission:

Labcorp Genetics (formerly Invitae), Labcorp
Classification: Uncertain significance for Neuropathy, hereditary sensory and autonomic, type 2A; Generalized epilepsy with febrile seizures plus, type 7. Last evaluated: 2022-03-03. Review status: criteria provided, single submitter. Criteria: Invitae Variant Classification Sherloc (09022015). Collection method: clinical testing. Allele origin: germline.
Comment: In summary, the available evidence is currently insufficient to determine the role of this variant in disease. Therefore, it has been classified as a Variant of Uncertain Significance. Algorithms developed to predict the effect of missense changes on protein structure and function (SIFT, PolyPhen-2, Align-GVGD) all suggest that this variant is likely to be disruptive. This variant has not been reported in the literature in individuals affected with SCN9A-related conditions. This variant is not present in population databases (gnomAD no frequency). This sequence change replaces serine, which is neutral and polar, with tyrosine, which is neutral and polar, at codon 1653 of the SCN9A protein (p.Ser1653Tyr).

NM_001365536.1(SCN9A):c.4991C>A (p.Ser1664Tyr)

Genes: SCN1A-AS1 (SCN1A and SCN9A antisense RNA 1; plus strand), SCN9A (sodium voltage-gated channel alpha subunit 9; minus strand). Cytogenetic location: 2q24.3.
Variant type: single nucleotide variant.
Coding change: c.4991C>A on transcript NM_001365536.1 (MANE Select); coding-DNA position 4991, C replaced by A.
Protein change: p.Ser1664Tyr; replaces serine 1664 with tyrosine.
Molecular consequence: missense variant. On other transcripts: non-coding transcript variant (1).
Genome position (GRCh38, 1-based): chr2:166,199,648, G>T on the plus strand (C>A on the coding strand, the complement: SCN9A is on the minus strand). VCF-style: chr2-166199648-G-T. GRCh37 (hg19) VCF-style: chr2-167056158-G-T.
Other names: c.4958C>A, p.Ser1653Tyr (NM_002977.4); short protein forms S1653Y, S1664Y.
Identifiers: ClinVar variation 1469870 (VCV001469870.8), dbSNP rs1693384719, ClinGen allele CA349054968.